The following is an entry in ClinVar:

NM_001999.4(FBN2):c.631T>G (p.Tyr211Asp)

Gene: FBN2 (fibrillin 2; minus strand). Cytogenetic location: 5q23.3.
Variant type: single nucleotide variant.
Coding change: c.631T>G on transcript NM_001999.4 (MANE Select); coding-DNA position 631, T replaced by G.
Protein change: p.Tyr211Asp; replaces tyrosine 211 with aspartic acid.
Molecular consequence: missense variant.
Genome position (GRCh38, 1-based): chr5:128,464,919, A>C on the plus strand (T>G on the coding strand, the complement: FBN2 is on the minus strand). VCF-style: chr5-128464919-A-C. GRCh37 (hg19) VCF-style: chr5-127800612-A-C.
Other names: short protein forms Y211D.
Identifiers: ClinVar variation 451519 (VCV000451519.2), dbSNP rs1554071528, ClinGen allele CA360755938.

ClinVar aggregate classification (germline): Uncertain significance (1 of 4 stars; one submission).

Allele frequency attached by ClinVar (database versions not stated): gnomAD exomes below 0.00001; TOPMed below 0.00001.
gnomAD v4.1: 1 of 1,614,210 alleles (0.000062%); highest among the groups gnomAD compares: African/African-American, 0.0013%; no homozygotes.

Submission:

GeneDx
Classification: Uncertain significance. Last evaluated: 2017-08-22. Review status: criteria provided, single submitter. Criteria: GeneDx Variant Classification (06012015). Collection method: clinical testing. Allele origin: germline. Affected: yes.
Comment: The Y211D variant of uncertain significance in the FBN2 gene has not been published as pathogenic or been reported as benign to our knowledge. Y211D is not observed in large population cohorts (Lek et al., 2016; 1000 Genomes Consortium et al., 2015; Exome Variant Server). The Y211D variant is a non-conservative amino acid substitution, which is likely to impact secondary protein structure as these residues differ in polarity, charge, size and/or other properties. Moreover, this substitution occurs at a position that is conserved across species, and in silico analysis predicts this variant is probably damaging to the protein structure/function. Nevertheless, the Y211D variant does not affect a cysteine residue within a calcium-binding EGF-like domain of the FBN2 gene. Cysteine substitutions in the calcium-binding EGF-like domains represent the majority of pathogenic missense changes associated with congenital contractural arachnodactyly (Collod-Beroud et al., 2003; FrÃ©dÃ©ric et al., 2009).